The following is an entry in ClinVar:

NM_001918.5(DBT):c.556-7T>C

Gene: DBT (dihydrolipoamide branched chain transacylase E2; minus strand). Cytogenetic location: 1p21.2.
Variant type: single nucleotide variant.
Coding change: c.556-7T>C on transcript NM_001918.5 (MANE Select); 7 bases into the intron before coding-DNA position 556, T replaced by C.
Molecular consequence: intron variant.
Genome position (GRCh38, 1-based): chr1:100,216,206, A>G on the plus strand (T>C on the coding strand, the complement: DBT is on the minus strand). VCF-style: chr1-100216206-A-G. GRCh37 (hg19) VCF-style: chr1-100681762-A-G.
Identifiers: ClinVar variation 668484 (VCV000668484.10), dbSNP rs755448648, ClinGen allele CA969701.
Genomic context (GRCh38, chr1:100,216,206, plus strand): 5'-TTCTTTAAGTATTCTGCCATCTTTTCCTGAGCCAACAACTTCACTCAGCTTAATCTAAAA[A>G]ATGATATATTTTAATGCCAAAAATACAACTATTTAAAAACATCATTAAAGTTTCAAAATG-3'

ClinVar aggregate classification (germline): Likely benign. Review status: criteria provided, multiple submitters, no conflicts (2 of 4 stars). 3 submissions from 3 submitters: Likely benign (3). Last evaluated 2026-01-26.

Conditions:
Maple syrup urine disease (MSUD). Identifiers: Orphanet 511, MedGen C0024776, MeSH D008375, MONDO:0009563. Disease mechanism: loss of function.

Allele frequency attached by ClinVar (database versions not stated): ExAC 0.00001; gnomAD exomes 0.00001; TOPMed 0.00006; gnomAD 0.00009.
gnomAD v4.1: 22 of 1,597,100 alleles (0.0014%); highest among the groups gnomAD compares: African/African-American, 0.029%; no homozygotes.

Submissions (3):

Labcorp Genetics (formerly Invitae), Labcorp
Classification: Likely benign for Maple syrup urine disease. Last evaluated: 2026-01-26. Review status: criteria provided, single submitter. Criteria: Invitae Variant Classification Sherloc (09022015). Collection method: clinical testing. Allele origin: germline.

Genome-Nilou Lab
Classification: Likely benign for Maple syrup urine disease type 1A. Last evaluated: 2023-04-11. Review status: criteria provided, single submitter. Criteria: ACMG Guidelines, 2015. Collection method: clinical testing. Allele origin: germline. Affected: no.

GeneDx
Classification: Likely benign. Last evaluated: 2018-06-07. Review status: criteria provided, single submitter. Criteria: GeneDx Variant Classification (06012015). Collection method: clinical testing. Allele origin: germline. Affected: yes.
Comment: This variant is considered likely benign or benign based on one or more of the following criteria: it is a conservative change, it occurs at a poorly conserved position in the protein, it is predicted to be benign by multiple in silico algorithms, and/or has population frequency not consistent with disease.